The following is an entry in ClinVar:

ClinVar aggregate classification (germline): Uncertain significance. Review status: criteria provided, multiple submitters, no conflicts (2 of 4 stars). 2 submissions from 2 submitters: Uncertain significance (2). Last evaluated 2024-12-24.

Conditions:
Inborn genetic diseases. Identifiers: MedGen C0950123, MeSH D030342.

Allele frequency attached by ClinVar (database versions not stated): ExAC 0.00002; TOPMed 0.00003; ESP Exome Variant Server 0.00008.
gnomAD v4.1: 32 of 1,605,288 alleles (0.002%); highest among the groups gnomAD compares: Admixed American, 0.013%; no homozygotes.

Submissions (2):

Labcorp Genetics (formerly Invitae), Labcorp
Classification: Uncertain significance. Last evaluated: 2024-12-24. Review status: criteria provided, single submitter. Criteria: Invitae Variant Classification Sherloc (09022015). Collection method: clinical testing. Allele origin: germline.
Comment: This sequence change replaces glycine, which is neutral and non-polar, with arginine, which is basic and polar, at codon 434 of the COX10 protein (p.Gly434Arg). This variant is present in population databases (rs374445401, gnomAD 0.02%). This variant has not been reported in the literature in individuals affected with COX10-related conditions. ClinVar contains an entry for this variant (Variation ID: 3076427). An algorithm developed to predict the effect of missense changes on protein structure and function outputs the following: PolyPhen-2: "Not Available". The arginine amino acid residue is found in multiple mammalian species, which suggests that this missense change does not adversely affect protein function. In summary, the available evidence is currently insufficient to determine the role of this variant in disease. Therefore, it has been classified as a Variant of Uncertain Significance.

Ambry Genetics
Classification: Uncertain significance for Inborn genetic diseases. Last evaluated: 2024-03-01. Review status: criteria provided, single submitter. Criteria: Ambry Variant Classification Scheme 2023. Collection method: clinical testing. Allele origin: germline.

NM_001303.4(COX10):c.1300G>A (p.Gly434Arg)

Gene: COX10 (cytochrome c oxidase assembly factor heme A:farnesyltransferase COX10; plus strand). Cytogenetic location: 17p12.
Variant type: single nucleotide variant.
Coding change: c.1300G>A on transcript NM_001303.4 (MANE Select); coding-DNA position 1300, G replaced by A.
Protein change: p.Gly434Arg; replaces glycine 434 with arginine.
Molecular consequence: missense variant.
Genome position (GRCh38, 1-based): chr17:14,207,181, G>A. VCF-style: chr17-14207181-G-A. GRCh37 (hg19) VCF-style: chr17-14110498-G-A.
Other names: short protein forms G434R.
Identifiers: ClinVar variation 3076427 (VCV003076427.3), dbSNP rs374445401, ClinGen allele CA8402606.